The following is an entry in ClinVar:

NM_000206.3(IL2RG):c.197A>G (p.Asn66Ser)

Gene: IL2RG (interleukin 2 receptor subunit gamma; minus strand). Cytogenetic location: Xq13.1.
Variant type: single nucleotide variant.
Coding change: c.197A>G on transcript NM_000206.3 (MANE Select); coding-DNA position 197, A replaced by G.
Protein change: p.Asn66Ser; replaces asparagine 66 with serine.
Molecular consequence: missense variant.
Genome position (GRCh38, 1-based): chrX:71,110,969, T>C on the plus strand (A>G on the coding strand, the complement: IL2RG is on the minus strand). VCF-style: chrX-71110969-T-C. GRCh37 (hg19) VCF-style: chrX-70330819-T-C.
Other names: c.197A>G, p.Asn66Ser (NM_001438870.1); short protein forms N66S.
Identifiers: ClinVar variation 4812137 (VCV004812137.1).

ClinVar aggregate classification (germline): Uncertain significance (1 of 4 stars; one submission).

Conditions:
X-linked severe combined immunodeficiency (SCIDX1). Also called: IMMUNODEFICIENCY 4; SCID, X-LINKED; SEVERE COMBINED IMMUNODEFICIENCY, X-LINKED, T CELL-NEGATIVE, B CELL-POSITIVE, NK CELL-NEGATIVE; X-Linked Combined Immunodeficiency Diseases; T-B+ severe combined immunodeficiency due to gamma chain deficiency. Identifiers: Orphanet 276, MedGen C6022468, MONDO:0010315, OMIM 300400. Disease mechanism: loss of function.

gnomAD v4.1: 2 of 1,208,519 alleles (0.00017%); highest among the groups gnomAD compares: South Asian, 0.0018%; no homozygotes.

Submission:

Labcorp Genetics (formerly Invitae), Labcorp
Classification: Uncertain significance for X-linked severe combined immunodeficiency. Last evaluated: 2025-12-22. Review status: criteria provided, single submitter. Criteria: Invitae Variant Classification Sherloc (09022015). Collection method: clinical testing. Allele origin: germline.
Comment: This sequence change replaces asparagine, which is neutral and polar, with serine, which is neutral and polar, at codon 66 of the IL2RG protein (p.Asn66Ser). This variant is not present in population databases (gnomAD no frequency). This variant has not been reported in the literature in individuals affected with IL2RG-related conditions. Invitae Evidence Modeling of protein sequence and biophysical properties (such as structural, functional, and spatial information, amino acid conservation, physicochemical variation, residue mobility, and thermodynamic stability) indicates that this missense variant is expected to disrupt IL2RG protein function with a positive predictive value of 95%. In summary, the available evidence is currently insufficient to determine the role of this variant in disease. Therefore, it has been classified as a Variant of Uncertain Significance.